The following is an entry in ClinVar:

ClinVar aggregate classification (germline): Uncertain significance. Review status: criteria provided, multiple submitters, no conflicts (2 of 4 stars). 2 submissions from 2 submitters: Uncertain significance (2). Last evaluated 2025-09-14.

Conditions:
Inborn genetic diseases. Identifiers: MedGen C0950123, MeSH D030342.
Generalized epilepsy with febrile seizures plus, type 9 (GEFSP9). Also called: GEFS+, TYPE 9. Identifiers: Orphanet 36387, MedGen C4015395, MONDO:0014517, OMIM 616172.

Submissions (2):

Labcorp Genetics (formerly Invitae), Labcorp
Classification: Uncertain significance for Generalized epilepsy with febrile seizures plus, type 9. Last evaluated: 2025-09-14. Review status: criteria provided, single submitter. Criteria: Invitae Variant Classification Sherloc (09022015). Collection method: clinical testing. Allele origin: germline.
Comment: This sequence change replaces arginine, which is basic and polar, with tryptophan, which is neutral and slightly polar, at codon 150 of the STX1B protein (p.Arg150Trp). This variant is not present in population databases (gnomAD no frequency). This variant has not been reported in the literature in individuals affected with STX1B-related conditions. ClinVar contains an entry for this variant (Variation ID: 1740951). Invitae Evidence Modeling of protein sequence and biophysical properties (such as structural, functional, and spatial information, amino acid conservation, physicochemical variation, residue mobility, and thermodynamic stability) indicates that this missense variant is expected to disrupt STX1B protein function with a positive predictive value of 80%. In summary, the available evidence is currently insufficient to determine the role of this variant in disease. Therefore, it has been classified as a Variant of Uncertain Significance.

Ambry Genetics
Classification: Uncertain significance for Inborn genetic diseases. Last evaluated: 2025-06-26. Review status: criteria provided, single submitter. Criteria: Ambry Variant Classification Scheme 2023. Collection method: clinical testing. Allele origin: germline.

NM_052874.5(STX1B):c.448C>T (p.Arg150Trp)

Gene: STX1B (syntaxin 1B; minus strand). Cytogenetic location: 16p11.2.
Variant type: single nucleotide variant.
Coding change: c.448C>T on transcript NM_052874.5 (MANE Select); coding-DNA position 448, C replaced by T.
Protein change: p.Arg150Trp; replaces arginine 150 with tryptophan.
Molecular consequence: missense variant.
Genome position (GRCh38, 1-based): chr16:30,996,966, G>A on the plus strand (C>T on the coding strand, the complement: STX1B is on the minus strand). VCF-style: chr16-30996966-G-A. GRCh37 (hg19) VCF-style: chr16-31008287-G-A.
Other names: short protein forms R150W.
Identifiers: ClinVar variation 1740951 (VCV001740951.6), dbSNP rs372213532, ClinGen allele CA395648922.